The following is an entry in ClinVar:

NM_001111.5(ADAR):c.1785+4G>A

Gene: ADAR (adenosine deaminase RNA specific; minus strand). Cytogenetic location: 1q21.3.
Variant type: single nucleotide variant.
Coding change: c.1785+4G>A on transcript NM_001111.5 (MANE Select); 4 bases into the intron after coding-DNA position 1785, G replaced by A.
Molecular consequence: intron variant.
Genome position (GRCh38, 1-based): chr1:154,598,398, C>T on the plus strand (G>A on the coding strand, the complement: ADAR is on the minus strand). VCF-style: chr1-154598398-C-T. GRCh37 (hg19) VCF-style: chr1-154570874-C-T.
Other names: c.900+4G>A (NM_001365046.1, NM_001025107.3, NM_001365048.1 and 3 more transcripts); c.1812+4G>A (NM_001365045.1); c.1785+4G>A (NM_015841.4, NM_015840.4, LRG_1212t1).
Identifiers: ClinVar variation 647263 (VCV000647263.8), dbSNP rs1571095587, ClinGen allele CA915941445.

ClinVar aggregate classification (germline): Uncertain significance (1 of 4 stars; one submission).

Conditions:
Symmetrical dyschromatosis of extremities (DSH). Also called: DYSCHROMATOSIS SYMMETRICA HEREDITARIA 1; RETICULATE ACROPIGMENTATION OF DOHI; SYMMETRIC DYSCHROMATOSIS OF THE EXTREMITIES; Dyschromatosis symmetrica hereditaria. Identifiers: Orphanet 41, MedGen C0406775, MONDO:0007483, OMIM 127400.
Aicardi-Goutieres syndrome 6 (AGS6). Identifiers: Orphanet 51, MedGen C3539013, MONDO:0014007, OMIM 615010.

Submission:

Labcorp Genetics (formerly Invitae), Labcorp
Classification: Uncertain significance for Aicardi-Goutieres syndrome 6; Symmetrical dyschromatosis of extremities. Last evaluated: 2018-09-10. Review status: criteria provided, single submitter. Criteria: Invitae Variant Classification Sherloc (09022015). Collection method: clinical testing. Allele origin: germline.
Comment: This sequence change falls in intron 3 of the ADAR gene. It does not directly change the encoded amino acid sequence of the ADAR protein, but it affects a nucleotide within the consensus splice site of the intron. This variant is not present in population databases (ExAC no frequency). This variant has not been reported in the literature in individuals with ADAR-related disease. Nucleotide substitutions within the consensus splice site are a relatively common cause of aberrant splicing (PMID: 17576681, 9536098). In summary, the available evidence is currently insufficient to determine the role of this variant in disease. Therefore, it has been classified as a Variant of Uncertain Significance.

Literature cited by the submitters: PubMed 17576681; PubMed 9536098.